The following is an entry in ClinVar:

ClinVar aggregate classification (germline): Likely pathogenic (1 of 4 stars; one submission).

Conditions:
Dilated cardiomyopathy 1D. Identifiers: Orphanet 154, Orphanet 54260, MedGen C1832243, MONDO:0011095, OMIM 601494.
Cardiomyopathy, familial restrictive, 3. Identifiers: Orphanet 75249, MedGen C2676271, MONDO:0012900, OMIM 612422.
Hypertrophic cardiomyopathy 2. Also called: TNNT2-Related Familial Hypertrophic Cardiomyopathy. Identifiers: MedGen C1861864, MONDO:0007266, OMIM 115195.

Submission:

Labcorp Genetics (formerly Invitae), Labcorp
Classification: Likely pathogenic for Cardiomyopathy, familial restrictive, 3; Hypertrophic cardiomyopathy 2; Dilated cardiomyopathy 1D. Last evaluated: 2022-12-16. Review status: criteria provided, single submitter. Criteria: Invitae Variant Classification Sherloc (09022015). Collection method: clinical testing. Allele origin: germline.
Comment: This sequence change replaces arginine, which is basic and polar, with glycine, which is neutral and non-polar, at codon 92 of the TNNT2 protein (p.Arg92Gly). This variant is not present in population databases (gnomAD no frequency). This variant has not been reported in the literature in individuals affected with TNNT2-related conditions. Advanced modeling of protein sequence and biophysical properties (such as structural, functional, and spatial information, amino acid conservation, physicochemical variation, residue mobility, and thermodynamic stability) performed at Invitae indicates that this missense variant is expected to disrupt TNNT2 protein function. This variant disrupts the p.Arg92 amino acid residue in TNNT2. Other variant(s) that disrupt this residue have been determined to be pathogenic (PMID: 7898523, 8205619, 8951566, 9788962, 10085122, 10449439, 18403758). This suggests that this residue is clinically significant, and that variants that disrupt this residue are likely to be disease-causing. In summary, the currently available evidence indicates that the variant is pathogenic, but additional data are needed to prove that conclusively. Therefore, this variant has been classified as Likely Pathogenic.

Literature cited by the submitters: PubMed 7898523; PubMed 8205619; PubMed 8951566; PubMed 9788962; PubMed 10085122; PubMed 10449439; PubMed 18403758.

NM_001276345.2(TNNT2):c.304C>G (p.Arg102Gly)

Gene: TNNT2 (troponin T2, cardiac type; minus strand). Cytogenetic location: 1q32.1.
Variant type: single nucleotide variant.
Coding change: c.304C>G on transcript NM_001276345.2 (MANE Select); coding-DNA position 304, C replaced by G.
Protein change: p.Arg102Gly; replaces arginine 102 with glycine.
Molecular consequence: missense variant. On other transcripts: intron variant (1).
Genome position (GRCh38, 1-based): chr1:201,365,298, G>C on the plus strand (C>G on the coding strand, the complement: TNNT2 is on the minus strand). VCF-style: chr1-201365298-G-C. GRCh37 (hg19) VCF-style: chr1-201334426-G-C.
Other names: c.304C>G, p.Arg102Gly (NM_000364.4, NM_001406723.1); c.274C>G, p.Arg92Gly (NM_001001430.3, NM_001001431.3, NM_001276347.2 and 3 more transcripts); c.259C>G, p.Arg87Gly (NM_001001432.3, NM_001406728.1); c.271C>G, p.Arg91Gly (NM_001406725.1); c.291+312C>G (NM_001276346.2); short protein forms R92G, R91G, R87G, R102G.
Identifiers: ClinVar variation 2942386 (VCV002942386.3), dbSNP rs397516456, ClinGen allele CA344206581.